The following is an entry in ClinVar:

NM_024678.6(NARS2):c.-25C>G

Gene: NARS2 (asparaginyl-tRNA synthetase 2, mitochondrial; minus strand). Cytogenetic location: 11q14.1.
Variant type: single nucleotide variant.
Coding change: c.-25C>G on transcript NM_024678.6 (MANE Select); 25 bases upstream of the start codon, C replaced by G.
Molecular consequence: 5 prime UTR variant. On other transcripts: intron variant (1).
Genome position (GRCh38, 1-based): chr11:78,574,513, G>C on the plus strand (C>G on the coding strand, the complement: NARS2 is on the minus strand). VCF-style: chr11-78574513-G-C. GRCh37 (hg19) VCF-style: chr11-78285558-G-C.
Other names: c.-541+316C>G (NM_001243251.2).
Identifiers: ClinVar variation 384779 (VCV000384779.1), dbSNP rs1057522047, ClinGen allele CA16606344.

ClinVar aggregate classification (germline): Likely benign (1 of 4 stars; one submission).

Allele frequency attached by ClinVar (database versions not stated): TOPMed below 0.00001.

Submission:

GeneDx
Classification: Likely benign. Last evaluated: 2016-12-19. Review status: criteria provided, single submitter. Criteria: GeneDx Variant Classification (06012015). Collection method: clinical testing. Allele origin: germline. Affected: yes.
Comment: This variant is considered likely benign or benign based on one or more of the following criteria: it is a conservative change, it occurs at a poorly conserved position in the protein, it is predicted to be benign by multiple in silico algorithms, and/or has population frequency not consistent with disease.